The following is an entry in ClinVar:

ClinVar aggregate classification (germline): Uncertain significance (1 of 4 stars; one submission).

Conditions:
Cardiovascular phenotype. Identifiers: MedGen CN230736.

gnomAD v4.1: 4 of 1,614,076 alleles (0.00025%); highest among the groups gnomAD compares: East Asian, 0.0045%; no homozygotes.

Submission:

Ambry Genetics
Classification: Uncertain significance for Cardiovascular phenotype. Last evaluated: 2025-10-21. Review status: criteria provided, single submitter. Criteria: Ambry Variant Classification Scheme 2023. Collection method: clinical testing. Allele origin: germline.
Comment: The p.E4137K variant (also known as c.12409G>A), located in coding exon 22 of the ALMS1 gene, results from a G to A substitution at nucleotide position 12409. The glutamic acid at codon 4137 is replaced by lysine, an amino acid with similar properties. This amino acid position is highly conserved in available vertebrate species. In addition, the in silico prediction for this alteration is inconclusive. Based on the available evidence, the clinical significance of this variant remains unclear.

NM_001378454.1(ALMS1):c.12406G>A (p.Glu4136Lys)

Gene: ALMS1 (ALMS1 centrosome and basal body associated protein; plus strand). Cytogenetic location: 2p13.1.
Variant type: single nucleotide variant.
Coding change: c.12406G>A on transcript NM_001378454.1 (MANE Select); coding-DNA position 12406, G replaced by A.
Protein change: p.Glu4136Lys; replaces glutamic acid 4136 with lysine.
Molecular consequence: missense variant.
Genome position (GRCh38, 1-based): chr2:73,608,518, G>A. VCF-style: chr2-73608518-G-A. GRCh37 (hg19) VCF-style: chr2-73835645-G-A.
Other names: c.12409G>A, p.Glu4137Lys (NM_015120.4); short protein forms E4136K, E4137K.
Identifiers: ClinVar variation 4613469 (VCV004613469.1).